The following is an entry in ClinVar:

NM_000441.2(SLC26A4):c.1327G>C (p.Glu443Gln)

Gene: SLC26A4 (solute carrier family 26 member 4; plus strand). Cytogenetic location: 7q22.3.
Variant type: single nucleotide variant.
Coding change: c.1327G>C on transcript NM_000441.2 (MANE Select); coding-DNA position 1327, G replaced by C.
Protein change: p.Glu443Gln; replaces glutamic acid 443 with glutamine.
Molecular consequence: missense variant.
Genome position (GRCh38, 1-based): chr7:107,694,466, G>C. VCF-style: chr7-107694466-G-C. GRCh37 (hg19) VCF-style: chr7-107334911-G-C.
Other names: short protein forms E443Q.
Identifiers: ClinVar variation 1297064 (VCV001297064.2), dbSNP rs2129316906, ClinGen allele CA368840416.

ClinVar aggregate classification (germline): Uncertain significance. Review status: criteria provided, single submitter (1 of 4 stars). 2 submissions from 2 submitters: Uncertain significance (1). 1 of the submissions does not count toward it. Last evaluated 2026-01-14.

Conditions:
Autosomal recessive nonsyndromic hearing loss 4 (DFNB4). Also called: FOXI1-Related Pendred Syndrome; KCNJ10-Related Pendred Syndrome; Enlarged vestibular aqueduct, digenic; NEUROSENSORY NONSYNDROMIC RECESSIVE DEAFNESS 4; Deafness, autosomal recessive 4, with enlarged vestibular aqueduct; DEAFNESS, AUTOSOMAL RECESSIVE 4, WITH ENLARGED VESTIBULAR AQUEDUCT, DIGENIC. Identifiers: Orphanet 90636, MedGen C3538946, MONDO:0010933, OMIM 600791.

Submissions (2):

Women's Health and Genetics/Laboratory Corporation of America, LabCorp
Classification: Uncertain significance. Last evaluated: 2026-01-14. Review status: criteria provided, single submitter. Criteria: LabCorp Variant Classification Summary - May 2015. Collection method: clinical testing. Allele origin: germline.
Comment: Variant summary: SLC26A4 c.1327G>C (p.Glu443Gln) results in a conservative amino acid change in the encoded protein sequence. Algorithms developed to predict the effect of missense changes on protein structure and function are either unavailable or do not agree on the potential impact of this missense change. The variant was absent in 250794 control chromosomes. c.1327G>C has been observed in the presumed compound heterozygous state in at least 3 individual(s) affected with clinical features of nonsyndromic deafness and/or Pendred Syndrome (example, Yuan_2009, Zeng_2022, Wu_2022). These data indicate that the variant may be associated with disease. To our knowledge, no experimental evidence demonstrating an impact on protein function has been reported. The following publications have been ascertained in the context of this evaluation (PMID: 27771369, 28541280, 30275481, 31035178, 23838540, 19954013, 36568381, 25372295, 23185506, 28640090, 31564438, 36472766, 28941661, 25525159, 27792752, 35982127, 27247933, 26004784, 26683941, 41066100, 35079019, 25149764, 34416374). ClinVar contains an entry for this variant (Variation ID: 1297064). Based on the evidence outlined above, the variant was classified as VUS-possibly pathogenic.

Deafness Molecular Diagnostic Center, Chinese PLA General Hospital
Classification: Pathogenic for Autosomal recessive nonsyndromic hearing loss 4. Review status: no assertion criteria provided. Collection method: case-control. Allele origin: paternal. Affected: yes. Not counted in ClinVar's aggregate classification.

Literature cited by the submitters: PubMed 25525159 (cited by Women's Health and Genetics/Laboratory Corporation of America, LabCorp); PubMed 25149764 (cited by Women's Health and Genetics/Laboratory Corporation of America, LabCorp); PubMed 31035178 (cited by Women's Health and Genetics/Laboratory Corporation of America, LabCorp); PubMed 30275481 (cited by Women's Health and Genetics/Laboratory Corporation of America, LabCorp); PubMed 23185506 (cited by Women's Health and Genetics/Laboratory Corporation of America, LabCorp); PubMed 28941661 (cited by Women's Health and Genetics/Laboratory Corporation of America, LabCorp); PubMed 25372295 (cited by Women's Health and Genetics/Laboratory Corporation of America, LabCorp); PubMed 27771369 (cited by Women's Health and Genetics/Laboratory Corporation of America, LabCorp); PubMed 26683941 (cited by Women's Health and Genetics/Laboratory Corporation of America, LabCorp); PubMed 27247933 (cited by Women's Health and Genetics/Laboratory Corporation of America, LabCorp); PubMed 34416374 (cited by Women's Health and Genetics/Laboratory Corporation of America, LabCorp); PubMed 35079019 (cited by Women's Health and Genetics/Laboratory Corporation of America, LabCorp); PubMed 23838540 (cited by Women's Health and Genetics/Laboratory Corporation of America, LabCorp); PubMed 35982127 (cited by Women's Health and Genetics/Laboratory Corporation of America, LabCorp); PubMed 27792752 (cited by Women's Health and Genetics/Laboratory Corporation of America, LabCorp); PubMed 36472766 (cited by Women's Health and Genetics/Laboratory Corporation of America, LabCorp); PubMed 19954013 (cited by Women's Health and Genetics/Laboratory Corporation of America, LabCorp); PubMed 36568381 (cited by Women's Health and Genetics/Laboratory Corporation of America, LabCorp); PubMed 31564438 (cited by Women's Health and Genetics/Laboratory Corporation of America, LabCorp); PubMed 28541280 (cited by Women's Health and Genetics/Laboratory Corporation of America, LabCorp); PubMed 41066100 (cited by Women's Health and Genetics/Laboratory Corporation of America, LabCorp); PubMed 28640090 (cited by Women's Health and Genetics/Laboratory Corporation of America, LabCorp); PubMed 26004784 (cited by Women's Health and Genetics/Laboratory Corporation of America, LabCorp).